The following is an entry in ClinVar:

ClinVar aggregate classification (germline): Uncertain significance (1 of 4 stars; one submission).

Conditions:
Cardiovascular phenotype. Identifiers: MedGen CN230736.

Submission:

Ambry Genetics
Classification: Uncertain significance for Cardiovascular phenotype. Last evaluated: 2019-07-29. Review status: criteria provided, single submitter. Criteria: Ambry Variant Classification Scheme 2023. Collection method: clinical testing. Allele origin: germline.
Comment: The c.9181_9183delAAG variant (also known as p.K3061del) is located in coding exon 38 of the TTN gene. This variant results from an in-frame AAG deletion at nucleotide positions 9181 to 9183. This results in the in-frame deletion of a lysine at codon 3061. This amino acid position is not well conserved in available vertebrate species. In addition, this alteration is predicted to be deleterious by in silico analysis (Choi Y et al. PLoS ONE. 2012; 7(10):e46688). Since supporting evidence is limited at this time, the clinical significance of this alteration remains unclear.

NM_001267550.2(TTN):c.9319_9321del (p.Lys3107del)

Gene: TTN (titin; minus strand). Cytogenetic location: 2q31.2.
Variant type: Deletion.
Coding change: c.9319_9321del on transcript NM_001267550.2 (MANE Select); coding-DNA positions 9319 to 9321, 3 bases deleted (AAG; older notation c.9319_9321delAAG).
Protein change: p.Lys3107del; deletes lysine 3107.
Molecular consequence: inframe deletion.
Genome position (GRCh38, 1-based): chr2:178,767,909-178,767,911, CTT deleted on the plus strand (AAG on the coding strand, the reverse complement: TTN is on the minus strand); deleting any 3 consecutive bases within chr2:178,767,909-178,767,913 gives the same sequence; the c. name uses the placement nearest the transcript's 3' end. VCF-style (leftmost placement, unchanged base first): chr2-178767908-CCTT-C. GRCh37 (hg19) VCF-style: chr2-179632635-CCTT-C.
Other names: c.9319_9321del, p.Lys3107del (NM_001256850.1, NM_133378.4, NM_133379.5); c.9181_9183del, p.Lys3061del (NM_003319.4, NM_133432.3, NM_133437.4); c.9181_9183delAAG (NM_003319.4); short protein forms K3061del, K3107del.
Identifiers: ClinVar variation 1766088 (VCV001766088.2), dbSNP rs763103569, ClinGen allele CA2004358.